The following is an entry in ClinVar:

NM_003098.3(SNTA1):c.1244C>T (p.Thr415Met)

Gene: SNTA1 (syntrophin alpha 1; minus strand). Cytogenetic location: 20q11.21.
Variant type: single nucleotide variant.
Coding change: c.1244C>T on transcript NM_003098.3 (MANE Select); coding-DNA position 1244, C replaced by T.
Protein change: p.Thr415Met; replaces threonine 415 with methionine.
Molecular consequence: missense variant.
Genome position (GRCh38, 1-based): chr20:33,408,882, G>A on the plus strand (C>T on the coding strand, the complement: SNTA1 is on the minus strand). VCF-style: chr20-33408882-G-A. GRCh37 (hg19) VCF-style: chr20-31996688-G-A.
Other names: p.T415M:ACG>ATG; short protein forms T415M.
Identifiers: ClinVar variation 190920 (VCV000190920.15), dbSNP rs533902889, ClinGen allele CA302288.

ClinVar aggregate classification (germline): Uncertain significance. Review status: criteria provided, multiple submitters, no conflicts (2 of 4 stars). 4 submissions from 4 submitters: Uncertain significance (4). Last evaluated 2025-09-23.

Conditions:
Cardiovascular phenotype. Identifiers: MedGen CN230736.
Long QT syndrome (LQTS). Identifiers: MedGen C0023976, MeSH D008133, MONDO:0002442. Disease mechanism: loss of function. Inheritance: Various modes of inheritance.
Long QT syndrome 12 (LQT12). Identifiers: Orphanet 101016, Orphanet 768, MedGen C2751830, MONDO:0013062, OMIM 612955.

Allele frequency attached by ClinVar (database versions not stated): TOPMed 0.00001.
gnomAD v4.1: 26 of 1,613,758 alleles (0.0016%); highest among the groups gnomAD compares: African/African-American, 0.0027%; no homozygotes.

Submissions (4):

Labcorp Genetics (formerly Invitae), Labcorp
Classification: Uncertain significance for Long QT syndrome. Last evaluated: 2025-09-23. Review status: criteria provided, single submitter. Criteria: Invitae Variant Classification Sherloc (09022015). Collection method: clinical testing. Allele origin: germline.
Comment: This sequence change replaces threonine, which is neutral and polar, with methionine, which is neutral and non-polar, at codon 415 of the SNTA1 protein (p.Thr415Met). This variant is present in population databases (rs533902889, gnomAD 0.004%). This variant has not been reported in the literature in individuals affected with SNTA1-related conditions. ClinVar contains an entry for this variant (Variation ID: 190920). Invitae Evidence Modeling of protein sequence and biophysical properties (such as structural, functional, and spatial information, amino acid conservation, physicochemical variation, residue mobility, and thermodynamic stability) indicates that this missense variant is not expected to disrupt SNTA1 protein function with a negative predictive value of 80%. In summary, the available evidence is currently insufficient to determine the role of this variant in disease. Therefore, it has been classified as a Variant of Uncertain Significance.

Ambry Genetics
Classification: Uncertain significance for Cardiovascular phenotype. Last evaluated: 2023-06-14. Review status: criteria provided, single submitter. Criteria: Ambry Variant Classification Scheme 2023. Collection method: clinical testing. Allele origin: germline.
Comment: The p.T415M variant (also known as c.1244C>T), located in coding exon 7 of the SNTA1 gene, results from a C to T substitution at nucleotide position 1244. The threonine at codon 415 is replaced by methionine, an amino acid with similar properties. This amino acid position is well conserved in available vertebrate species. In addition, the in silico prediction for this alteration is inconclusive. Since supporting evidence is limited at this time, the clinical significance of this alteration remains unclear.

GeneDx
Classification: Uncertain significance. Last evaluated: 2022-12-08. Review status: criteria provided, single submitter. Criteria: GeneDx Variant Classification Process June 2021. Collection method: clinical testing. Allele origin: germline. Affected: yes.
Comment: Has not been previously published as pathogenic or benign to our knowledge; Not observed at significant frequency in large population cohorts (gnomAD); In silico analysis supports that this missense variant has a deleterious effect on protein structure/function

Fulgent Genetics
Classification: Uncertain significance for Long QT syndrome 12. Last evaluated: 2021-10-15. Review status: criteria provided, single submitter. Criteria: ACMG Guidelines, 2015. Collection method: clinical testing. Allele origin: unknown.